The following is an entry in ClinVar:

ClinVar aggregate classification (germline): Uncertain significance (1 of 4 stars; one submission).

Allele frequency attached by ClinVar (database versions not stated): ExAC 0.00005; gnomAD exomes 0.00007; ESP Exome Variant Server 0.00008.

Submission:

Labcorp Genetics (formerly Invitae), Labcorp
Classification: Uncertain significance. Last evaluated: 2024-07-15. Review status: criteria provided, single submitter. Criteria: Invitae Variant Classification Sherloc (09022015). Collection method: clinical testing. Allele origin: germline.
Comment: This sequence change replaces arginine, which is basic and polar, with cysteine, which is neutral and slightly polar, at codon 176 of the POLD2 protein (p.Arg176Cys). This variant is present in population databases (rs372336011, gnomAD 0.009%). This variant has not been reported in the literature in individuals affected with POLD2-related conditions. Experimental studies and prediction algorithms are not available or were not evaluated, and the functional significance of this variant is currently unknown. In summary, the available evidence is currently insufficient to determine the role of this variant in disease. Therefore, it has been classified as a Variant of Uncertain Significance.

NM_006230.4(POLD2):c.421C>T (p.Arg141Cys)

Gene: POLD2 (DNA polymerase delta 2, accessory subunit; minus strand). Cytogenetic location: 7p13.
Variant type: single nucleotide variant.
Coding change: c.421C>T on transcript NM_006230.4 (MANE Select); coding-DNA position 421, C replaced by T.
Protein change: p.Arg141Cys; replaces arginine 141 with cysteine.
Molecular consequence: missense variant.
Genome position (GRCh38, 1-based): chr7:44,117,664, G>A on the plus strand (C>T on the coding strand, the complement: POLD2 is on the minus strand). VCF-style: chr7-44117664-G-A. GRCh37 (hg19) VCF-style: chr7-44157263-G-A.
Other names: c.421C>T, p.Arg141Cys (NM_001127218.3, NM_001256879.2); short protein forms R141C.
Identifiers: ClinVar variation 3019879 (VCV003019879.3), dbSNP rs372336011, ClinGen allele CA4238863.